The following is an entry in ClinVar:

NM_032043.3(BRIP1):c.3050C>T (p.Pro1017Leu)

Gene: BRIP1 (BRCA1 interacting DNA helicase 1; minus strand). Cytogenetic location: 17q23.2.
Variant type: single nucleotide variant.
Coding change: c.3050C>T on transcript NM_032043.3 (MANE Select); coding-DNA position 3050, C replaced by T.
Protein change: p.Pro1017Leu; replaces proline 1017 with leucine.
Molecular consequence: missense variant.
Genome position (GRCh38, 1-based): chr17:61,683,996, G>A on the plus strand (C>T on the coding strand, the complement: BRIP1 is on the minus strand). VCF-style: chr17-61683996-G-A. GRCh37 (hg19) VCF-style: chr17-59761357-G-A.
Other names: short protein forms P1017L.
Identifiers: ClinVar variation 186283 (VCV000186283.26), dbSNP rs747907706, ClinGen allele CA194343.

ClinVar aggregate classification (germline): Conflicting classifications of pathogenicity. Review status: criteria provided, conflicting classifications (1 of 4 stars). 11 submissions from 11 submitters: Uncertain significance (8); Likely benign (2). 1 of the submissions does not count toward it. Last evaluated 2026-01-20.

Conditions:
Ovarian cancer. Also called: OVARIAN CANCER, SOMATIC. Identifiers: Orphanet 213500, MedGen C1140680, MONDO:0008170, OMIM 167000.
Fanconi anemia complementation group J. Also called: BRIP1-Related Fanconi Anemia. Identifiers: Orphanet 84, MedGen C1836860, MONDO:0012187, OMIM 609054.
Familial cancer of breast. Also called: BREAST CANCER, FAMILIAL; Hereditary breast cancer; hereditary breast carcinoma. Identifiers: Orphanet 227535, MedGen C0346153, MONDO:0016419, OMIM 114480. Disease mechanism: loss of function.
Hereditary cancer-predisposing syndrome. Also called: Hereditary Cancer Syndrome; Neoplastic Syndromes, Hereditary; Tumor predisposition; Hereditary neoplastic syndrome. Identifiers: Orphanet 140162, MedGen C0027672, MeSH D009386, MONDO:0015356.

Allele frequency attached by ClinVar (database versions not stated): gnomAD 0.00001; ExAC 0.00002; TOPMed 0.00003; gnomAD exomes below 0.00001 and 0.00004.
gnomAD v4.1: 54 of 1,613,858 alleles (0.0033%); highest among the groups gnomAD compares: Non-Finnish European, 0.0042%; no homozygotes.

Submissions (11):

Labcorp Genetics (formerly Invitae), Labcorp
Classification: Uncertain significance for Familial cancer of breast; Fanconi anemia complementation group J. Last evaluated: 2026-01-20. Review status: criteria provided, single submitter. Criteria: Invitae Variant Classification Sherloc (09022015). Collection method: clinical testing. Allele origin: germline.
Comment: This sequence change replaces proline, which is neutral and non-polar, with leucine, which is neutral and non-polar, at codon 1017 of the BRIP1 protein (p.Pro1017Leu). This variant is present in population databases (rs747907706, gnomAD 0.0009%). This missense change has been observed in individual(s) with ovarian and/or breast cancer (PMID: 26315354, 26921362). ClinVar contains an entry for this variant (Variation ID: 186283). Invitae Evidence Modeling of protein sequence and biophysical properties (such as structural, functional, and spatial information, amino acid conservation, physicochemical variation, residue mobility, and thermodynamic stability) indicates that this missense variant is not expected to disrupt BRIP1 protein function with a negative predictive value of 95%. In summary, the available evidence is currently insufficient to determine the role of this variant in disease. Therefore, it has been classified as a Variant of Uncertain Significance.

Center for Genomic Medicine, Rigshospitalet, Copenhagen University Hospital
Classification: Uncertain significance. Last evaluated: 2025-03-04. Review status: criteria provided, single submitter. Criteria: ACMG Guidelines, 2015. Collection method: clinical testing. Allele origin: germline.

GeneDx
Classification: Uncertain significance. Last evaluated: 2024-04-24. Review status: criteria provided, single submitter. Criteria: GeneDx Variant Classification Process June 2021. Collection method: clinical testing. Allele origin: germline. Affected: yes.
Comment: Not observed at significant frequency in large population cohorts (gnomAD); In silico analysis indicates that this missense variant does not alter protein structure/function; This variant is associated with the following publications: (PMID: 29641532, 26315354, 26921362, 27150160, 11301010)

St. Jude Molecular Pathology, St. Jude Children's Research Hospital
Classification: Uncertain significance for Familial cancer of breast. Last evaluated: 2023-07-25. Review status: criteria provided, single submitter. Criteria: St. Jude Assertion Criteria 2020. Collection method: clinical testing. Allele origin: germline.
Comment: The BRIP1 c.3353A>G (p.Asn1118Ser) missense change has a maximum subpopulation frequency of 0.00088% in gnomAD v2.1.1. The in silico tool REVEL predicts a benign effect on protein function, but to our knowledge this prediction has not been confirmed by functional studies. This variant has been reported in 3 of 13,213 breast cancer cases and 2 of 5,242 controls in case control study (PMID: 26921362), and in 1 of in 3,236 invasive ovarian carcinoma patients and 0 of 3,431 control patients of European origin (PMID: 26315354). It has also been reported in one individual in a database of women older than 70 years of age who have never had cancer (FLOSSIES database), and in 1 of 1,358 control individuals collected as part of a non-cancer studies (PMID: 29641532). To our knowledge, this variant has not been reported in individuals with Fanconi anemia. In summary, the evidence currently available is insufficient to determine the clinical significance of this variant. It has therefore been classified as of uncertain significance.

Myriad Genetics, Inc.
Classification: Uncertain significance for Familial cancer of breast. Last evaluated: 2023-02-28. Review status: criteria provided, single submitter. Criteria: Myriad Autosomal Dominant, Autosomal Recessive and X-Linked Classification Criteria (2023). Collection method: clinical testing. Allele origin: unknown.
Comment: This variant is classified as a variant of uncertain significance as there is insufficient evidence to determine its impact on protein function and/or cancer risk.

Women's Health and Genetics/Laboratory Corporation of America, LabCorp
Classification: Uncertain significance. Last evaluated: 2021-07-12. Review status: criteria provided, single submitter. Criteria: LabCorp Variant Classification Summary - May 2015. Collection method: clinical testing. Allele origin: germline.
Comment: Variant summary: BRIP1 c.3050C>T (p.Pro1017Leu) results in a non-conservative amino acid change in the encoded protein sequence. Four of five in-silico tools predict a benign effect of the variant on protein function. The variant allele was found at a frequency of 4e-06 in 251410 control chromosomes. The available data on variant occurrences in the general population are insufficient to allow any conclusion about variant significance. c.3050C>T has been reported in the literature in the settings of multigene panel testing in an individual with epithelial ovarian cancer (example, Ramus_2016) and in unaffected controls as well as individuals affected with breast cancer from a UK cohort (example, Easton_2016). These report(s) do not provide unequivocal conclusions about association of the variant with Hereditary Breast And Ovarian Cancer Syndrome. To our knowledge, no experimental evidence demonstrating an impact on protein function has been reported. Six clinical diagnostic laboratories have submitted clinical-significance assessments for this variant to ClinVar after 2014 without evidence for independent evaluation. Multiple laboratories reported the variant with conflicting assessments (likely benign, n=2; VUS, n=4). Based on the evidence outlined above, the variant was classified as uncertain significance.

Institute of Human Genetics, University of Leipzig Medical Center
Classification: Uncertain significance for Familial cancer of breast. Last evaluated: 2019-01-01. Review status: criteria provided, single submitter. Criteria: ACMG Guidelines, 2015. Collection method: clinical testing. Allele origin: unknown. Affected: yes.

Ambry Genetics
Classification: Likely benign for Hereditary cancer-predisposing syndrome. Last evaluated: 2018-12-29. Review status: criteria provided, single submitter. Criteria: Ambry Variant Classification Scheme 2023. Collection method: clinical testing. Allele origin: germline.

Genetic Services Laboratory, University of Chicago
Classification: Uncertain significance. Last evaluated: 2018-09-06. Review status: criteria provided, single submitter. Criteria: ACMG Guidelines, 2015. Collection method: clinical testing. Allele origin: germline. Affected: no.

Color Diagnostics, LLC DBA Color Health
Classification: Likely benign for Hereditary cancer-predisposing syndrome. Last evaluated: 2017-09-11. Review status: criteria provided, single submitter. Criteria: ACMG Guidelines, 2015. Collection method: clinical testing. Allele origin: germline.

Counsyl
Classification: Uncertain significance for Fanconi anemia complementation group J; Ovarian cancer. Last evaluated: 2017-01-09. Review status: no assertion criteria provided. Collection method: clinical testing. Allele origin: unknown. Not counted in ClinVar's aggregate classification.

Literature cited by the submitters: PubMed 26315354 (cited by 3 submitters); PubMed 26921362 (cited by 3 submitters).